The following is an entry in ClinVar:

ClinVar aggregate classification (germline): Uncertain significance (1 of 4 stars; one submission).

Conditions:
Nemaline myopathy 9 (NEM9). Identifiers: MedGen C3810384, MONDO:0014326, OMIM 615731.

Allele frequency attached by ClinVar (database versions not stated): gnomAD 0.00001; gnomAD exomes below 0.00001 and 0.00001; TOPMed 0.00001.
gnomAD v4.1: 18 of 1,613,974 alleles (0.0011%); highest among the groups gnomAD compares: South Asian, 0.0022%; no homozygotes.

Submission:

Labcorp Genetics (formerly Invitae), Labcorp
Classification: Uncertain significance for Nemaline myopathy 9. Last evaluated: 2022-11-08. Review status: criteria provided, single submitter. Criteria: Invitae Variant Classification Sherloc (09022015). Collection method: clinical testing. Allele origin: germline.
Comment: ClinVar contains an entry for this variant (Variation ID: 856555). This variant has not been reported in the literature in individuals affected with KLHL41-related conditions. This variant is present in population databases (no rsID available, gnomAD 0.003%). This sequence change replaces alanine, which is neutral and non-polar, with valine, which is neutral and non-polar, at codon 271 of the KLHL41 protein (p.Ala271Val). Advanced modeling of protein sequence and biophysical properties (such as structural, functional, and spatial information, amino acid conservation, physicochemical variation, residue mobility, and thermodynamic stability) performed at Invitae indicates that this missense variant is not expected to disrupt KLHL41 protein function. In summary, the available evidence is currently insufficient to determine the role of this variant in disease. Therefore, it has been classified as a Variant of Uncertain Significance.

NM_006063.3(KLHL41):c.812C>T (p.Ala271Val)

Gene: KLHL41 (kelch like family member 41; plus strand). Cytogenetic location: 2q31.1.
Variant type: single nucleotide variant.
Coding change: c.812C>T on transcript NM_006063.3 (MANE Select); coding-DNA position 812, C replaced by T.
Protein change: p.Ala271Val; replaces alanine 271 with valine.
Molecular consequence: missense variant.
Genome position (GRCh38, 1-based): chr2:169,510,590, C>T. VCF-style: chr2-169510590-C-T. GRCh37 (hg19) VCF-style: chr2-170367100-C-T.
Other names: short protein forms A271V.
Identifiers: ClinVar variation 856555 (VCV000856555.9), dbSNP rs1304097331, ClinGen allele CA349176476.
Genomic context (GRCh38, chr2:169,510,590, plus strand): 5'-AAATCAAAGTTCTAAAAGATGCTTTCGCAGGCAAACTCCCAGAACCTAGCAAAAATGCCG[C>T]GAAGACTGGGGCTGGTGAGGTGAATGGTGATGTTGGTGATGAAGATTTACTTCCTGGTTA-3'
Protein context (NP_006054.2, residues 261-281): GKLPEPSKNA[Ala271Val]KTGAGEVNGD